The following is an entry in ClinVar:

ClinVar aggregate classification (germline): Uncertain significance. Review status: criteria provided, multiple submitters, no conflicts (2 of 4 stars). 2 submissions from 2 submitters: Uncertain significance (2). Last evaluated 2024-04-06.

Conditions:
Diamond-Blackfan anemia. Also called: Blackfan Diamond syndrome; Aregenerative anemia chronic congenital; Red cell aplasia, pure hereditary; Congenital hypoplastic anemia; Aase syndrome. Identifiers: Orphanet 124, MedGen C1260899, MeSH D029503, MONDO:0015253, HP:0004810.
GATA binding protein 1 related thrombocytopenia with dyserythropoiesis. Also called: GATA1-Related Cytopenia; GATA1-Related X-Linked Cytopenia. Identifiers: MedGen C1845837, MONDO:0100089.

Submissions (2):

Labcorp Genetics (formerly Invitae), Labcorp
Classification: Uncertain significance for GATA binding protein 1 related thrombocytopenia with dyserythropoiesis; Diamond-Blackfan anemia. Last evaluated: 2024-04-06. Review status: criteria provided, single submitter. Criteria: Invitae Variant Classification Sherloc (09022015). Collection method: clinical testing. Allele origin: germline.
Comment: This sequence change replaces threonine, which is neutral and polar, with proline, which is neutral and non-polar, at codon 402 of the GATA1 protein (p.Thr402Pro). This variant is not present in population databases (gnomAD no frequency). This variant has not been reported in the literature in individuals affected with GATA1-related conditions. An algorithm developed to predict the effect of missense changes on protein structure and function (PolyPhen-2) suggests that this variant is likely to be disruptive. In summary, the available evidence is currently insufficient to determine the role of this variant in disease. Therefore, it has been classified as a Variant of Uncertain Significance.

Mayo Clinic Laboratories, Mayo Clinic
Classification: Uncertain significance. Last evaluated: 2023-10-03. Review status: criteria provided, single submitter. Criteria: ACMG Guidelines, 2015. Collection method: clinical testing. Allele origin: germline. Observed: 1 variant allele.
Comment: PM2_moderate

Literature cited by the submitters: PubMed 29316426 (cited by Mayo Clinic Laboratories, Mayo Clinic).

NM_002049.4(GATA1):c.1204A>C (p.Thr402Pro)

Gene: GATA1 (GATA binding protein 1; plus strand). Cytogenetic location: Xp11.23.
Variant type: single nucleotide variant.
Coding change: c.1204A>C on transcript NM_002049.4 (MANE Select); coding-DNA position 1204, A replaced by C.
Protein change: p.Thr402Pro; replaces threonine 402 with proline.
Molecular consequence: missense variant.
Genome position (GRCh38, 1-based): chrX:48,794,126, A>C. VCF-style: chrX-48794126-A-C. GRCh37 (hg19) VCF-style: chrX-48652533-A-C.
Other names: p.Thr402Pro; short protein forms T402P.
Identifiers: ClinVar variation 3380745 (VCV003380745.3).